The following is an entry in ClinVar:

NM_001256317.3(TMPRSS3):c.871G>C (p.Val291Leu)

Gene: TMPRSS3 (transmembrane serine protease 3; minus strand). Cytogenetic location: 21q22.3.
Variant type: single nucleotide variant.
Coding change: c.871G>C on transcript NM_001256317.3 (MANE Select); coding-DNA position 871, G replaced by C.
Protein change: p.Val291Leu; replaces valine 291 with leucine.
Molecular consequence: missense variant.
Genome position (GRCh38, 1-based): chr21:42,382,146, C>G on the plus strand (G>C on the coding strand, the complement: TMPRSS3 is on the minus strand). VCF-style: chr21-42382146-C-G. GRCh37 (hg19) VCF-style: chr21-43802255-C-G.
Other names: c.871G>C, p.Val291Leu (NM_024022.4, NM_032405.2); c.490G>C, p.Val164Leu (NM_032404.3); short protein forms V164L, V291L.
Identifiers: ClinVar variation 2506051 (VCV002506051.2), dbSNP rs757064799, ClinGen allele CA10042440.

ClinVar aggregate classification (germline): Conflicting classifications of pathogenicity. Review status: criteria provided, conflicting classifications (1 of 4 stars). 2 submissions from 2 submitters: Uncertain significance (1); Likely benign (1). Last evaluated 2023-05-18.

Conditions:
Autosomal recessive nonsyndromic hearing loss 8 (DFNB8). Also called: Deafness, autosomal recessive 10; NEUROSENSORY NONSYNDROMIC RECESSIVE DEAFNESS 8. Identifiers: Orphanet 90636, MedGen C1832827, MONDO:0010987, OMIM 601072.

Allele frequency attached by ClinVar (database versions not stated): ExAC 0.00005.
gnomAD v4.1: 47 of 1,614,184 alleles (0.0029%); highest among the groups gnomAD compares: East Asian, 0.1%; no homozygotes.

Submissions (2):

Women's Health and Genetics/Laboratory Corporation of America, LabCorp
Classification: Likely benign. Last evaluated: 2023-05-18. Review status: criteria provided, single submitter. Criteria: LabCorp Variant Classification Summary - May 2015. Collection method: clinical testing. Allele origin: germline.
Comment: Variant summary: TMPRSS3 c.871G>C (p.Val291Leu) results in a conservative amino acid change located in the Serine proteases, trypsin domain (IPR001254) of the encoded protein sequence. Five of five in-silico tools predict a benign effect of the variant on protein function. The variant allele was found at a frequency of 0.00061 in 326502 control chromosomes, predominantly at a frequency of 0.0024 within the Japanese subpopulation in the jMorp database, including 1 homozygote (gnomAD and jMorp databases (Tadaka_2021)). The available data on variant occurrences in the general population are insufficient to allow any conclusion about variant significance. c.871G>C has been reported in the literature in individuals affected with deafness, however without strong evidence for causality (e.g., Lee_2013, Kim_2017). Additionally, the variant has been reported to occur in cis with another pathogenic TMPRSS3 variant, c.346G>A (p.Val116Met), in several unrelated individuals affected with deafness (e.g., Kim_2018), providing supporting evidence for a benign role. To our knowledge, no experimental evidence demonstrating an impact on protein function has been reported. The following publications have been ascertained in the context of this evaluation (PMID: 29072634, 23958653, 33179747). No clinical diagnostic laboratories have submitted clinical-significance assessments for this variant to ClinVar after 2014. Based on the evidence outlined above, the variant was classified as likely benign.

Department of Pathology and Laboratory Medicine, Sinai Health System
Classification: Uncertain significance for Autosomal recessive nonsyndromic hearing loss 8. Last evaluated: 2022-05-19. Review status: criteria provided, single submitter. Criteria: ACMG Guidelines, 2015. Collection method: research. Allele origin: germline.

Literature cited by the submitters: PubMed 33179747 (cited by Women's Health and Genetics/Laboratory Corporation of America, LabCorp); PubMed 29072634 (cited by Women's Health and Genetics/Laboratory Corporation of America, LabCorp); PubMed 23958653 (cited by Women's Health and Genetics/Laboratory Corporation of America, LabCorp).